The following is an entry in ClinVar:

ClinVar aggregate classification (germline): Uncertain significance (1 of 4 stars; one submission).

Conditions:
Hereditary cancer-predisposing syndrome. Also called: Neoplastic Syndromes, Hereditary; Tumor predisposition; Hereditary neoplastic syndrome; Hereditary Cancer Syndrome. Identifiers: Orphanet 140162, MedGen C0027672, MeSH D009386, MONDO:0015356.

Allele frequency attached by ClinVar (database versions not stated): gnomAD exomes below 0.00001.
gnomAD v4.1: 1 of 1,614,100 alleles (0.000062%); highest among the groups gnomAD compares: Non-Finnish European, 0.000085%; no homozygotes.

Submission:

Ambry Genetics
Classification: Uncertain significance for Hereditary cancer-predisposing syndrome. Last evaluated: 2023-12-11. Review status: criteria provided, single submitter. Criteria: Ambry Variant Classification Scheme 2023. Collection method: clinical testing. Allele origin: germline.
Comment: The p.S89R variant (also known as c.265A>C), located in coding exon 2 of the PDGFRA gene, results from an A to C substitution at nucleotide position 265. The serine at codon 89 is replaced by arginine, an amino acid with dissimilar properties. This amino acid position is conserved. In addition, this alteration is predicted to be tolerated by in silico analysis. Since supporting evidence is limited at this time, the clinical significance of this alteration remains unclear.

NM_006206.6(PDGFRA):c.265A>C (p.Ser89Arg)

Gene: PDGFRA (platelet derived growth factor receptor alpha; plus strand). Cytogenetic location: 4q12.
Variant type: single nucleotide variant.
Coding change: c.265A>C on transcript NM_006206.6 (MANE Select); coding-DNA position 265, A replaced by C.
Protein change: p.Ser89Arg; replaces serine 89 with arginine.
Molecular consequence: missense variant.
Genome position (GRCh38, 1-based): chr4:54,261,310, A>C. VCF-style: chr4-54261310-A-C. GRCh37 (hg19) VCF-style: chr4-55127477-A-C.
Other names: c.265A>C, p.Ser89Arg (NM_001347827.2, NM_001347829.2); c.340A>C, p.Ser114Arg (NM_001347828.2); c.304A>C, p.Ser102Arg (NM_001347830.2); short protein forms S102R, S114R, S89R.
Identifiers: ClinVar variation 3225290 (VCV003225290.1), dbSNP rs2110243056, ClinGen allele CA356888707.